The following is an entry in ClinVar:

ClinVar aggregate classification (germline): Pathogenic (1 of 4 stars; one submission).

gnomAD v4.1: 5 of 1,614,194 alleles (0.00031%); highest among the groups gnomAD compares: Non-Finnish European, 0.00042%; no homozygotes.

Submission:

Labcorp Genetics (formerly Invitae), Labcorp
Classification: Pathogenic. Last evaluated: 2024-03-28. Review status: criteria provided, single submitter. Criteria: Invitae Variant Classification Sherloc (09022015). Collection method: clinical testing. Allele origin: germline.
Comment: This sequence change creates a premature translational stop signal (p.Trp1457*) in the MYH3 gene. It is expected to result in an absent or disrupted protein product. Loss-of-function variants in MYH3 are known to be pathogenic (PMID: 29805041, 30008475). This variant is not present in population databases (gnomAD no frequency). This variant has not been reported in the literature in individuals affected with MYH3-related conditions. For these reasons, this variant has been classified as Pathogenic.

Literature cited by the submitters: PubMed 29805041; PubMed 30008475.

NM_002470.4(MYH3):c.4371G>A (p.Trp1457Ter)

Genes: MYH3 (myosin heavy chain 3; minus strand), LOC130060295 (ATAC-STARR-seq lymphoblastoid active region 11731; plus strand). Cytogenetic location: 17p13.1.
Variant type: single nucleotide variant.
Coding change: c.4371G>A on transcript NM_002470.4 (MANE Select); coding-DNA position 4371, G replaced by A.
Protein change: p.Trp1457Ter; replaces tryptophan 1457 with a stop codon.
Molecular consequence: nonsense.
Genome position (GRCh38, 1-based): chr17:10,634,168, C>T on the plus strand (G>A on the coding strand, the complement: MYH3 is on the minus strand). VCF-style: chr17-10634168-C-T. GRCh37 (hg19) VCF-style: chr17-10537485-C-T.
Other names: short protein forms W1457*.
Identifiers: ClinVar variation 3709387 (VCV003709387.2).